The following is an entry in ClinVar:

NM_206933.4(USH2A):c.11669C>A (p.Pro3890His)

Gene: USH2A (usherin; minus strand). Cytogenetic location: 1q41.
Variant type: single nucleotide variant.
Coding change: c.11669C>A on transcript NM_206933.4 (MANE Select); coding-DNA position 11669, C replaced by A.
Protein change: p.Pro3890His; replaces proline 3890 with histidine.
Molecular consequence: missense variant.
Genome position (GRCh38, 1-based): chr1:215,741,417, G>T on the plus strand (C>A on the coding strand, the complement: USH2A is on the minus strand). VCF-style: chr1-215741417-G-T. GRCh37 (hg19) VCF-style: chr1-215914759-G-T.
Other names: short protein forms P3890H.
Identifiers: ClinVar variation 1305816 (VCV001305816.5), dbSNP rs2102725604, ClinGen allele CA344833386.

ClinVar aggregate classification (germline): Uncertain significance. Review status: criteria provided, multiple submitters, no conflicts (2 of 4 stars). 2 submissions from 2 submitters: Uncertain significance (2). Last evaluated 2025-03-24.

Submissions (2):

GeneDx
Classification: Uncertain significance. Last evaluated: 2025-03-24. Review status: criteria provided, single submitter. Criteria: GeneDx Variant Classification Process June 2021. Collection method: clinical testing. Allele origin: germline. Affected: yes.
Comment: Not observed at significant frequency in large population cohorts (gnomAD); In silico analysis supports that this missense variant has a deleterious effect on protein structure/function; Has not been previously published as pathogenic or benign to our knowledge

Labcorp Genetics (formerly Invitae), Labcorp
Classification: Uncertain significance. Last evaluated: 2025-02-23. Review status: criteria provided, single submitter. Criteria: Invitae Variant Classification Sherloc (09022015). Collection method: clinical testing. Allele origin: germline.
Comment: This sequence change replaces proline, which is neutral and non-polar, with histidine, which is basic and polar, at codon 3890 of the USH2A protein (p.Pro3890His). This variant is not present in population databases (gnomAD no frequency). This variant has not been reported in the literature in individuals affected with USH2A-related conditions. ClinVar contains an entry for this variant (Variation ID: 1305816). Invitae Evidence Modeling of protein sequence and biophysical properties (such as structural, functional, and spatial information, amino acid conservation, physicochemical variation, residue mobility, and thermodynamic stability) indicates that this missense variant is expected to disrupt USH2A protein function with a positive predictive value of 95%. In summary, the available evidence is currently insufficient to determine the role of this variant in disease. Therefore, it has been classified as a Variant of Uncertain Significance.